The following is an entry in ClinVar:

NM_025099.6(CTC1):c.197+4A>G

Gene: CTC1 (CST telomere replication complex component 1; minus strand). Cytogenetic location: 17p13.1.
Variant type: single nucleotide variant.
Coding change: c.197+4A>G on transcript NM_025099.6 (MANE Select); 4 bases into the intron after coding-DNA position 197, A replaced by G.
Molecular consequence: intron variant.
Genome position (GRCh38, 1-based): chr17:8,242,981, T>C on the plus strand (A>G on the coding strand, the complement: CTC1 is on the minus strand). VCF-style: chr17-8242981-T-C. GRCh37 (hg19) VCF-style: chr17-8146299-T-C.
Other names: c.197+4A>G (NM_001411067.1).
Identifiers: ClinVar variation 4074518 (VCV004074518.1).

ClinVar aggregate classification (germline): Uncertain significance (1 of 4 stars; one submission).

Submission:

GeneDx
Classification: Uncertain significance. Last evaluated: 2025-02-08. Review status: criteria provided, single submitter. Criteria: GeneDx Variant Classification Process June 2021. Collection method: clinical testing. Allele origin: germline. Affected: yes.
Comment: Not observed at significant frequency in large population cohorts (gnomAD); In silico analysis supports a deleterious effect on splicing; Has not been previously published as pathogenic or benign to our knowledge